The following is an entry in ClinVar:

NM_000038.6(APC):c.6578_6593delinsC (p.Lys2193_Leu2198delinsThr)

Gene: APC (APC regulator of Wnt signaling pathway; plus strand). Cytogenetic location: 5q22.2.
Variant type: Indel.
Coding change: c.6578_6593delinsC on transcript NM_000038.6 (MANE Select); coding-DNA positions 6578 to 6593, AAGTTTATAAAAGTTT replaced by C.
Protein change: p.Lys2193_Leu2198delinsThr.
Molecular consequence: inframe indel.
Genome position (GRCh38, 1-based): chr5:112,842,172-112,842,187, AAGTTTATAAAAGTTT replaced by C. VCF-style: chr5-112842172-AAGTTTATAAAAGTTT-C. GRCh37 (hg19) VCF-style: chr5-112177869-AAGTTTATAAAAGTTT-C.
Other names: c.6632_6647delinsC, p.Lys2211_Leu2216delinsThr (NM_001354896.2); c.6608_6623delinsC, p.Lys2203_Leu2208delinsThr (NM_001354897.2); c.6503_6518delinsC, p.Lys2168_Leu2173delinsThr (NM_001354898.2); c.6494_6509delinsC, p.Lys2165_Leu2170delinsThr (NM_001354899.2); c.6455_6470delinsC, p.Lys2152_Leu2157delinsThr (NM_001354900.2); c.6401_6416delinsC, p.Lys2134_Leu2139delinsThr (NM_001354901.2); c.6305_6320delinsC, p.Lys2102_Leu2107delinsThr (NM_001354902.2); c.6275_6290delinsC, p.Lys2092_Leu2097delinsThr (NM_001354903.2); and 6 more.
Identifiers: ClinVar variation 921680 (VCV000921680.7), dbSNP rs1766250904, ClinGen allele CA1139659023.

ClinVar aggregate classification (germline): Uncertain significance. Review status: criteria provided, multiple submitters, no conflicts (2 of 4 stars). 2 submissions from 2 submitters: Uncertain significance (2). Last evaluated 2024-07-01.

Conditions:
Hereditary cancer-predisposing syndrome. Also called: Neoplastic Syndromes, Hereditary; Tumor predisposition; Hereditary Cancer Syndrome; Hereditary neoplastic syndrome. Identifiers: Orphanet 140162, MedGen C0027672, MeSH D009386, MONDO:0015356.

Submissions (2):

Color Diagnostics, LLC DBA Color Health
Classification: Uncertain significance for Hereditary cancer-predisposing syndrome. Last evaluated: 2024-07-01. Review status: criteria provided, single submitter. Criteria: ACMG Guidelines, 2015. Collection method: clinical testing. Allele origin: germline.
Comment: This variant causes an in-frame deletion of 6 amino acids and insertion of 1 amino acid of the APC protein. To our knowledge, functional studies have not been reported for this variant. This variant has not been reported in individuals affected with APC-related disorders in the literature. This variant has not been identified in the general population by the Genome Aggregation Database (gnomAD). The available evidence is insufficient to determine the role of this variant in disease conclusively. Therefore, this variant is classified as a Variant of Uncertain Significance.

Ambry Genetics
Classification: Uncertain significance for Hereditary cancer-predisposing syndrome. Last evaluated: 2024-04-19. Review status: criteria provided, single submitter. Criteria: Ambry Variant Classification Scheme 2023. Collection method: clinical testing. Allele origin: germline.
Comment: The c.6578_6593del16insC variant (also known as p.K2193_L2198delinsT), located in coding exon 15 of the APC gene, results from an in-frame deletion of 16 nucleotides and an insertion of a C at nucleotide positions 6578 to 6593. This results in the deletion of 6 amino acid residues between codons 2193 to 2198 and an insertion of a threonine residue at codon 2193. These amino acid positions are well conserved in available vertebrate species. In addition, this alteration is predicted to be deleterious by in silico analysis (Choi Y et al. PLoS ONE. 2012; 7(10):e46688). Based on the available evidence, the clinical significance of this variant remains unclear.